The following is an entry in ClinVar:

NM_007118.4(TRIO):c.4100A>G (p.Glu1367Gly)

Gene: TRIO (trio Rho guanine nucleotide exchange factor; plus strand). Cytogenetic location: 5p15.2.
Variant type: single nucleotide variant.
Coding change: c.4100A>G on transcript NM_007118.4 (MANE Select); coding-DNA position 4100, A replaced by G.
Protein change: p.Glu1367Gly; replaces glutamic acid 1367 with glycine.
Molecular consequence: missense variant. On other transcripts: non-coding transcript variant (1).
Genome position (GRCh38, 1-based): chr5:14,390,272, A>G. VCF-style: chr5-14390272-A-G. GRCh37 (hg19) VCF-style: chr5-14390381-A-G.
Other names: short protein forms E1367G.
Identifiers: ClinVar variation 4690100 (VCV004690100.1).

ClinVar aggregate classification (germline): Uncertain significance (1 of 4 stars; one submission).

Submission:

GeneDx
Classification: Uncertain significance. Last evaluated: 2025-08-01. Review status: criteria provided, single submitter. Criteria: GeneDx Variant Classification Process June 2021. Collection method: clinical testing. Allele origin: germline. Affected: yes.
Comment: Not observed at significant frequency in large population cohorts (gnomAD); In silico analysis supports that this missense variant has a deleterious effect on protein structure/function; Has not been previously published as pathogenic or benign to our knowledge; In silico analysis is inconclusive as to whether the variant alters gene splicing. In the absence of RNA/functional studies, the actual effect of this sequence change is unknown.